The following is an entry in ClinVar:

NM_014140.4(SMARCAL1):c.2832dup (p.Asp945Ter)

Gene: SMARCAL1 (SNF2 related chromatin remodeling annealing helicase 1; plus strand). Cytogenetic location: 2q35.
Variant type: Duplication.
Coding change: c.2832dup on transcript NM_014140.4 (MANE Select); coding-DNA position 2832, one base duplicated (T; older notation c.2832dupT).
Protein change: p.Asp945Ter; replaces aspartic acid 945 with a stop codon.
Molecular consequence: nonsense.
Genome position (GRCh38, 1-based): chr2:216,482,944, T duplicated; the last of 6 consecutive T bases (chr2:216,482,939-216,482,944); duplicating any one gives the same sequence. VCF-style (leftmost placement, unchanged base first): chr2-216482938-A-AT. GRCh37 (hg19) VCF-style: chr2-217347661-A-AT.
Other names: c.2832dup, p.Asp945Ter (NM_001127207.2); short protein forms D945*.
Identifiers: ClinVar variation 2148703 (VCV002148703.2), dbSNP rs759257705, ClinGen allele CA2098311.

ClinVar aggregate classification (germline): Uncertain significance. Review status: criteria provided, multiple submitters, no conflicts (2 of 4 stars). 2 submissions from 2 submitters: Uncertain significance (2). Last evaluated 2024-05-09.

Conditions:
Schimke immuno-osseous dysplasia (SIOD). Also called: Schimke Immunoosseous Dysplasia. Identifiers: Orphanet 1830, MedGen C0877024, MONDO:0009458, OMIM 242900.

Submissions (2):

Fulgent Genetics
Classification: Uncertain significance for Schimke immuno-osseous dysplasia. Last evaluated: 2024-05-09. Review status: criteria provided, single submitter. Criteria: ACMG Guidelines, 2015. Collection method: clinical testing. Allele origin: germline.

Labcorp Genetics (formerly Invitae), Labcorp
Classification: Uncertain significance for Schimke immuno-osseous dysplasia. Last evaluated: 2022-01-22. Review status: criteria provided, single submitter. Criteria: Invitae Variant Classification Sherloc (09022015). Collection method: clinical testing. Allele origin: germline.
Comment: This sequence change creates a premature translational stop signal (p.Asp945*) in the SMARCAL1 gene. While this is not anticipated to result in nonsense mediated decay, it is expected to disrupt the last 10 amino acid(s) of the SMARCAL1 protein. This variant is present in population databases (rs759257705, gnomAD 0.01%). This variant has not been reported in the literature in individuals affected with SMARCAL1-related conditions. In summary, the available evidence is currently insufficient to determine the role of this variant in disease. Therefore, it has been classified as a Variant of Uncertain Significance.